The following is an entry in ClinVar:

ClinVar aggregate classification (germline): Likely pathogenic (1 of 4 stars; one submission).

Allele frequency attached by ClinVar (database versions not stated): ExAC 0.00001; gnomAD 0.00001; gnomAD exomes 0.00001.
gnomAD v4.1: 4 of 1,614,054 alleles (0.00025%); highest among the groups gnomAD compares: Admixed American, 0.0017%; no homozygotes.

Submission:

Labcorp Genetics (formerly Invitae), Labcorp
Classification: Likely pathogenic. Last evaluated: 2022-08-24. Review status: criteria provided, single submitter. Criteria: Invitae Variant Classification Sherloc (09022015). Collection method: clinical testing. Allele origin: germline.
Comment: ClinVar contains an entry for this variant (Variation ID: 1524320). This sequence change affects a donor splice site in intron 6 of the CYP19A1 gene. It is expected to disrupt RNA splicing. Variants that disrupt the donor or acceptor splice site typically lead to a loss of protein function (PMID: 16199547), and loss-of-function variants in CYP19A1 are known to be pathogenic (PMID: 14602738, 27086564, 27256151). This variant is not present in population databases (gnomAD no frequency). This variant has not been reported in the literature in individuals affected with CYP19A1-related conditions. Algorithms developed to predict the effect of sequence changes on RNA splicing suggest that this variant may disrupt the consensus splice site. In summary, the currently available evidence indicates that the variant is pathogenic, but additional data are needed to prove that conclusively. Therefore, this variant has been classified as Likely Pathogenic.

Literature cited by the submitters: PubMed 16199547; PubMed 14602738; PubMed 27086564; PubMed 27256151.

NM_000103.4(CYP19A1):c.628+2T>C

Genes: MIR4713HG (MIR4713 host gene; plus strand), PIRC66 (piwi-interacting RNA cluster 66; plus strand), CYP19A1 (cytochrome P450 family 19 subfamily A member 1; minus strand). Cytogenetic location: 15q21.2.
Variant type: single nucleotide variant.
Coding change: c.628+2T>C on transcript NM_000103.4 (MANE Select); the canonical splice donor site of the intron after coding-DNA position 628, T replaced by C.
Molecular consequence: splice donor variant.
Genome position (GRCh38, 1-based): chr15:51,222,347, A>G on the plus strand (T>C on the coding strand, the complement: CYP19A1 is on the minus strand). VCF-style: chr15-51222347-A-G. GRCh37 (hg19) VCF-style: chr15-51514544-A-G.
Other names: c.628+2T>C (NM_031226.3, NM_001347248.1, NM_001347249.2 and 7 more transcripts).
Identifiers: ClinVar variation 1524320 (VCV001524320.6), dbSNP rs750338018, ClinGen allele CA7560008.
Genomic context (GRCh38, chr15:51,222,347, plus strand): 5'-CTCCTAGCTCCTTGTTCAGTAAAGGACAGATGGTCAAGATGTGAGAGTGAAAATTTCAGT[A>G]CCGTCCAAAGGGATCCTCAAGAAGAGCGTGTTAGAGGTGTCCAGCATGACACGACGCAGA-3'